The following is an entry in ClinVar:

ClinVar aggregate classification (germline): Uncertain significance (1 of 4 stars; one submission).

Allele frequency attached by ClinVar (database versions not stated): gnomAD exomes below 0.00001.
gnomAD v4.1: 2 of 1,611,142 alleles (0.00012%); highest among the groups gnomAD compares: South Asian, 0.0011%; no homozygotes.

Submission:

Labcorp Genetics (formerly Invitae), Labcorp
Classification: Uncertain significance. Last evaluated: 2023-12-22. Review status: criteria provided, single submitter. Criteria: Invitae Variant Classification Sherloc (09022015). Collection method: clinical testing. Allele origin: germline.
Comment: This sequence change replaces serine, which is neutral and polar, with asparagine, which is neutral and polar, at codon 786 of the C7 protein (p.Ser786Asn). This variant is present in population databases (no rsID available, gnomAD 0.0009%). This variant has not been reported in the literature in individuals affected with C7-related conditions. ClinVar contains an entry for this variant (Variation ID: 1714300). Advanced modeling of protein sequence and biophysical properties (such as structural, functional, and spatial information, amino acid conservation, physicochemical variation, residue mobility, and thermodynamic stability) performed at Invitae indicates that this missense variant is not expected to disrupt C7 protein function with a negative predictive value of 80%. In summary, the available evidence is currently insufficient to determine the role of this variant in disease. Therefore, it has been classified as a Variant of Uncertain Significance.

NM_000587.4(C7):c.2357G>A (p.Ser786Asn)

Gene: C7 (complement C7; plus strand). Cytogenetic location: 5p13.1.
Variant type: single nucleotide variant.
Coding change: c.2357G>A on transcript NM_000587.4 (MANE Select); coding-DNA position 2357, G replaced by A.
Protein change: p.Ser786Asn; replaces serine 786 with asparagine.
Molecular consequence: missense variant.
Genome position (GRCh38, 1-based): chr5:40,981,398, G>A. VCF-style: chr5-40981398-G-A. GRCh37 (hg19) VCF-style: chr5-40981500-G-A.
Other names: short protein forms S786N.
Identifiers: ClinVar variation 1714300 (VCV001714300.5), dbSNP rs1174239894, ClinGen allele CA359596070.